The following is an entry in ClinVar:

NM_006258.4(PRKG1):c.869G>C (p.Ser290Thr)

Gene: PRKG1 (protein kinase cGMP-dependent 1; plus strand). Cytogenetic location: 10q21.1.
Variant type: single nucleotide variant.
Coding change: c.869G>C on transcript NM_006258.4 (MANE Select); coding-DNA position 869, G replaced by C.
Protein change: p.Ser290Thr; replaces serine 290 with threonine.
Molecular consequence: missense variant. On other transcripts: 5 prime UTR variant (1).
Genome position (GRCh38, 1-based): chr10:52,062,565, G>C. VCF-style: chr10-52062565-G-C. GRCh37 (hg19) VCF-style: chr10-53822325-G-C.
Other names: c.824G>C, p.Ser275Thr (NM_001098512.3); c.-341G>C (NM_001374781.1); c.869G>C, p.Ser290Thr (NM_001374782.1); short protein forms S290T, S275T.
Identifiers: ClinVar variation 1385747 (VCV001385747.8), dbSNP rs756427024, ClinGen allele CA5503651.

ClinVar aggregate classification (germline): Uncertain significance. Review status: criteria provided, multiple submitters, no conflicts (2 of 4 stars). 2 submissions from 2 submitters: Uncertain significance (2). Last evaluated 2025-08-06.

Conditions:
Aortic aneurysm, familial thoracic 8 (AAT8). Identifiers: MedGen C3809513, MONDO:0014187, OMIM 615436.
Familial thoracic aortic aneurysm and aortic dissection (TAAD). Also called: Thoracic aortic aneurysms and dissections. Identifiers: Orphanet 91387, MedGen C4707243, MONDO:0019625.

Allele frequency attached by ClinVar (database versions not stated): gnomAD exomes 0.00001 and 0.00002; ExAC 0.00002; TOPMed 0.00003.
gnomAD v4.1: 7 of 1,606,488 alleles (0.00044%); highest among the groups gnomAD compares: Admixed American, 0.01%; no homozygotes.

Submissions (2):

Labcorp Genetics (formerly Invitae), Labcorp
Classification: Uncertain significance for Aortic aneurysm, familial thoracic 8. Last evaluated: 2025-08-06. Review status: criteria provided, single submitter. Criteria: Invitae Variant Classification Sherloc (09022015). Collection method: clinical testing. Allele origin: germline.
Comment: This sequence change replaces serine, which is neutral and polar, with threonine, which is neutral and polar, at codon 290 of the PRKG1 protein (p.Ser290Thr). This variant is present in population databases (rs756427024, gnomAD 0.02%). This missense change has been observed in individual(s) with clinical features of PRKG1-related conditions (internal data). ClinVar contains an entry for this variant (Variation ID: 1385747). An algorithm developed to predict the effect of missense changes on protein structure and function (PolyPhen-2) suggests that this variant is likely to be tolerated. In summary, the available evidence is currently insufficient to determine the role of this variant in disease. Therefore, it has been classified as a Variant of Uncertain Significance.

Ambry Genetics
Classification: Uncertain significance for Familial thoracic aortic aneurysm and aortic dissection. Last evaluated: 2021-12-29. Review status: criteria provided, single submitter. Criteria: Ambry Variant Classification Scheme 2023. Collection method: clinical testing. Allele origin: germline.
Comment: The p.S290T variant (also known as c.869G>C), located in coding exon 7 of the PRKG1 gene, results from a G to C substitution at nucleotide position 869. The serine at codon 290 is replaced by threonine, an amino acid with similar properties. This amino acid position is conserved. In addition, this alteration is predicted to be tolerated by in silico analysis. Since supporting evidence is limited at this time, the clinical significance of this alteration remains unclear.